The following is an entry in ClinVar:

ClinVar aggregate classification (germline): Likely pathogenic (1 of 4 stars; one submission).

Conditions:
Intellectual developmental disorder with seizures and language delay (IDDSELD). Identifiers: MedGen C5436574, MONDO:0033559, OMIM 619000.

Submission:

3billion
Classification: Likely pathogenic for Intellectual developmental disorder with seizures and language delay. Last evaluated: 2023-10-31. Review status: criteria provided, single submitter. Criteria: ACMG Guidelines, 2015. Collection method: clinical testing. Allele origin: germline. Affected: yes.
Comment: The variant is not observed in the gnomAD v2.1.1 dataset. Predicted Consequence/Location: Stop-gained (nonsense): predicted to result in a loss or disruption of normal protein function through nonsense-mediated decay (NMD) or protein truncation. Multiple pathogenic variants are reported downstream of the variant. Damaging effect on gene or gene product predicted by in silico programs is uncertain. Therefore, this variant is classified as Likely pathogenic according to the recommendation of ACMG/AMP guideline.

NM_001353345.2(SETD1B):c.2738C>A (p.Ser913Ter)

Gene: SETD1B (SET domain containing 1B, histone lysine methyltransferase; plus strand). Cytogenetic location: 12q24.31.
Variant type: single nucleotide variant.
Coding change: c.2738C>A on transcript NM_001353345.2 (MANE Select); coding-DNA position 2738, C replaced by A.
Protein change: p.Ser913Ter; replaces serine 913 with a stop codon.
Molecular consequence: nonsense.
Genome position (GRCh38, 1-based): chr12:121,817,055, C>A. VCF-style: chr12-121817055-C-A. GRCh37 (hg19) VCF-style: chr12-122254961-C-A.
Other names: short protein forms S913*.
Identifiers: ClinVar variation 3775684 (VCV003775684.1).